The following is an entry in ClinVar:

ClinVar aggregate classification (germline): Conflicting classifications of pathogenicity. Review status: criteria provided, conflicting classifications (1 of 4 stars). 2 submissions from 2 submitters: Uncertain significance (1); Likely benign (1). Last evaluated 2026-06-11.

Conditions:
Hereditary cancer-predisposing syndrome. Also called: Hereditary neoplastic syndrome; Neoplastic Syndromes, Hereditary; Tumor predisposition; Hereditary Cancer Syndrome. Identifiers: Orphanet 140162, MedGen C0027672, MeSH D009386, MONDO:0015356.
Hereditary diffuse gastric adenocarcinoma (HDGC). Also called: DIFFUSE GASTRIC AND LOBULAR BREAST CANCER SYNDROME. Identifiers: Orphanet 26106, MedGen C1708349, MONDO:0007648, OMIM 137215.

Submissions (2):

Ambry Genetics
Classification: Likely benign for Hereditary cancer-predisposing syndrome. Last evaluated: 2026-06-11. Review status: criteria provided, single submitter. Criteria: Ambry Variant Classification Scheme 2023. Collection method: clinical testing. Allele origin: germline.

Labcorp Genetics (formerly Invitae), Labcorp
Classification: Uncertain significance for Hereditary diffuse gastric adenocarcinoma. Last evaluated: 2024-06-21. Review status: criteria provided, single submitter. Criteria: Invitae Variant Classification Sherloc (09022015). Collection method: clinical testing. Allele origin: germline.
Comment: This sequence change replaces threonine, which is neutral and polar, with arginine, which is basic and polar, at codon 38 of the CDH1 protein (p.Thr38Arg). This variant is not present in population databases (gnomAD no frequency). This variant has not been reported in the literature in individuals affected with CDH1-related conditions. ClinVar contains an entry for this variant (Variation ID: 1051319). Algorithms developed to predict the effect of missense changes on protein structure and function output the following: SIFT: "Not Available"; PolyPhen-2: "Benign"; Align-GVGD: "Not Available". The arginine amino acid residue is found in multiple mammalian species, which suggests that this missense change does not adversely affect protein function. In summary, the available evidence is currently insufficient to determine the role of this variant in disease. Therefore, it has been classified as a Variant of Uncertain Significance.

NM_004360.5(CDH1):c.113C>G (p.Thr38Arg)

Gene: CDH1 (cadherin 1; plus strand). Cytogenetic location: 16q22.1.
Variant type: single nucleotide variant.
Coding change: c.113C>G on transcript NM_004360.5 (MANE Select); coding-DNA position 113, C replaced by G.
Protein change: p.Thr38Arg; replaces threonine 38 with arginine.
Molecular consequence: missense variant. On other transcripts: 5 prime UTR variant (2).
Genome position (GRCh38, 1-based): chr16:68,738,361, C>G. VCF-style: chr16-68738361-C-G. GRCh37 (hg19) VCF-style: chr16-68772264-C-G.
Other names: c.113C>G, p.Thr38Arg (NM_001317184.2); c.-1503C>G (NM_001317185.2); c.-1707C>G (NM_001317186.2); short protein forms T38R.
Identifiers: ClinVar variation 1051319 (VCV001051319.12), dbSNP rs587778171, ClinGen allele CA396452070.
Genomic context (GRCh38, chr16:68,738,361, plus strand): 5'-CCTCTTGGCTCTGCCAGGAGCCGGAGCCCTGCCACCCTGGCTTTGACGCCGAGAGCTACA[C>G]GTTCACGGTGCCCCGGCGCCACCTGGAGAGAGGCCGCGTCCTGGGCAGAGGTGAGGGCGC-3'
Protein context (NP_004351.1, residues 28-48): CHPGFDAESY[Thr38Arg]FTVPRRHLER